The following is an entry in ClinVar:

ClinVar aggregate classification (germline): Likely benign. Review status: criteria provided, multiple submitters, no conflicts (2 of 4 stars). 3 submissions from 3 submitters: Likely benign (2). 1 of the submissions does not count toward it. Last evaluated 2022-11-22.

Conditions:
TRIT1-related disorder. Also called: TRIT1-related condition.

Allele frequency attached by ClinVar (database versions not stated): gnomAD 0.00001; gnomAD exomes 0.00002 and 0.00008; TOPMed 0.00006; ExAC 0.00009.
gnomAD v4.1: 28 of 1,611,770 alleles (0.0017%); highest among the groups gnomAD compares: East Asian, 0.042%; no homozygotes.

Submissions (3):

Labcorp Genetics (formerly Invitae), Labcorp
Classification: Likely benign. Last evaluated: 2022-11-22. Review status: criteria provided, single submitter. Criteria: Invitae Variant Classification Sherloc (09022015). Collection method: clinical testing. Allele origin: germline.

Breakthrough Genomics
Classification: Likely benign. Review status: criteria provided, single submitter. Criteria: ACMG Guidelines, 2015. Collection method: not provided. Allele origin: germline. Inheritance: Autosomal recessive inheritance. Affected: yes.

PreventionGenetics, part of Exact Sciences
Classification: Likely benign for TRIT1-related condition. Last evaluated: 2020-05-11. Review status: no assertion criteria provided. Collection method: clinical testing. Allele origin: germline. Not counted in ClinVar's aggregate classification.
Comment: This variant is classified as likely benign based on ACMG/AMP sequence variant interpretation guidelines (Richards et al. 2015 PMID: 25741868, with internal and published modifications).

NM_017646.6(TRIT1):c.141C>T (p.Leu47=)

Genes: MYCL-AS1 (MYCL antisense RNA 1; plus strand), TRIT1 (tRNA isopentenyltransferase 1; minus strand). Cytogenetic location: 1p34.2.
Variant type: single nucleotide variant.
Coding change: c.141C>T on transcript NM_017646.6 (MANE Select); coding-DNA position 141, C replaced by T.
Protein change: p.Leu47=; no amino-acid change (leucine 47 retained).
Molecular consequence: synonymous variant. On other transcripts: non-coding transcript variant (1).
Genome position (GRCh38, 1-based): chr1:39,883,351, G>A on the plus strand (C>T on the coding strand, the complement: TRIT1 is on the minus strand). VCF-style: chr1-39883351-G-A. GRCh37 (hg19) VCF-style: chr1-40349023-G-A.
Other names: c.141C>T, p.Leu47= (NM_001312691.2, NM_001312692.2).
Identifiers: ClinVar variation 1642032 (VCV001642032.11), dbSNP rs781532818, ClinGen allele CA788201.
Genomic context (GRCh38, chr1:39,883,351, plus strand): 5'-GCGCCCGGGCCAGCCGCACTGCCATACCTGCATGGAGTCAGCGCTGACGATCTCACCGCC[G>A]AGCCGCTGGCCTAGCTGCAACGCCAGCGTGGATTTGCCGGTGCCCGTGGCCCCGAGAATC-3'
Protein context (NP_060116.2, residues 37-57): STLALQLGQR[Leu47=]GGEIVSADSM